The following is an entry in ClinVar:

ClinVar aggregate classification (germline): Uncertain significance (1 of 4 stars; one submission).

Submission:

GeneDx
Classification: Uncertain significance. Last evaluated: 2016-11-11. Review status: criteria provided, single submitter. Criteria: GeneDx Variant Classification (06012015). Collection method: clinical testing. Allele origin: germline. Affected: yes.
Comment: The c.912_919delCAAGCTGC variant in the SASH3 gene has not been reported previously as a pathogenic variant nor as a benign variant, to our knowledge. The c.912_919delCAAGCTGC variant causes a frameshift starting with codon Lysine 305, changes this amino acid to a Histidine residue, and creates a premature Stop codon at position 10 of the new reading frame, denoted p.Lys305HisfsX10. This variant is predicted to cause loss of normal protein function through protein truncation. The c.912_919delCAAGCTGC variant was not observed in approximately 6,500 individuals of European and African American ancestry in the NHLBI Exome Sequencing Project, indicating it is not a common benign variant in these populations. We interpret c.912_919delCAAGCTGC as a variant of uncertain significance.

NM_018990.4(SASH3):c.912_919del (p.Lys305fs)

Gene: SASH3 (SAM and SH3 domain containing 3; plus strand). Cytogenetic location: Xq26.1.
Variant type: Deletion.
Coding change: c.912_919del on transcript NM_018990.4 (MANE Select); coding-DNA positions 912 to 919, 8 bases deleted (CAAGCTGC; older notation c.912_919delCAAGCTGC).
Protein change: p.Lys305fs; shifts the reading frame from lysine 305.
Molecular consequence: frameshift variant.
Genome position (GRCh38, 1-based): chrX:129,793,099-129,793,106, CAAGCTGC deleted; deleting any 8 consecutive bases within chrX:129,793,097-129,793,106 gives the same sequence; the c. name uses the placement nearest the transcript's 3' end. VCF-style (leftmost placement, unchanged base first): chrX-129793096-GGCCAAGCT-G. GRCh37 (hg19) VCF-style: chrX-128927072-GGCCAAGCT-G.
Other names: short protein forms K305fs.
Identifiers: ClinVar variation 373276 (VCV000373276.1), dbSNP rs1057518320, ClinGen allele CA16043213.